The following is an entry in ClinVar:

ClinVar aggregate classification (germline): Uncertain significance (1 of 4 stars; one submission).

Conditions:
SMARCE1-related disorder. Also called: SMARCE1-related condition.

Submission:

PreventionGenetics, part of Exact Sciences
Classification: Uncertain significance for SMARCE1-related condition. Last evaluated: 2023-01-30. Review status: criteria provided, single submitter. Criteria: ACMG Guidelines, 2015. Collection method: clinical testing. Allele origin: germline.
Comment: The SMARCE1 c.201T>A variant is predicted to result in the amino acid substitution p.Asp67Glu. To our knowledge, this variant has not been reported in the literature or in a large population database, indicating this variant is rare. At this time, the clinical significance of this variant is uncertain due to the absence of conclusive functional and genetic evidence.

NM_003079.5(SMARCE1):c.201T>A (p.Asp67Glu)

Gene: SMARCE1 (SWI/SNF related BAF chromatin remodeling complex subunit E1; minus strand). Cytogenetic location: 17q21.2.
Variant type: single nucleotide variant.
Coding change: c.201T>A on transcript NM_003079.5 (MANE Select); coding-DNA position 201, T replaced by A.
Protein change: p.Asp67Glu; replaces aspartic acid 67 with glutamic acid.
Molecular consequence: missense variant.
Genome position (GRCh38, 1-based): chr17:40,637,528, A>T on the plus strand (T>A on the coding strand, the complement: SMARCE1 is on the minus strand). VCF-style: chr17-40637528-A-T. GRCh37 (hg19) VCF-style: chr17-38793780-A-T.
Other names: short protein forms D67E.
Identifiers: ClinVar variation 2630433 (VCV002630433.1), dbSNP rs2508606741, ClinGen allele CA399367843.
Genomic context (GRCh38, chr17:40,637,528, plus strand): 5'-CCTTACCAGGTCCTAAGCACCTACCTTTCTGCTGTACCTCATGTAGGGCATCAGCGGCTT[A>T]TCTGGTGGCTTTGGGGGTTTTGGAATCGTGATACCAGAGGATGCCTACGAAAGAGTTAAA-3'
Protein context (NP_003070.3, residues 57-77): ITIPKPPKPP[Asp67Glu]KPLMPYMRYS